The following is an entry in ClinVar:

ClinVar aggregate classification (germline): Uncertain significance. Review status: criteria provided, multiple submitters, no conflicts (2 of 4 stars). 2 submissions from 2 submitters: Uncertain significance (2). Last evaluated 2024-03-07.

Conditions:
Pallister-Hall syndrome (PHS). Also called: HYPOTHALAMIC HAMARTOBLASTOMA, HYPOPITUITARISM, IMPERFORATE ANUS, AND POSTAXIAL POLYDACTYLY; GLI3-Related Pallister-Hall Syndrome. Identifiers: Orphanet 672, MedGen C0265220, MONDO:0007804, OMIM 146510.
Greig cephalopolysyndactyly syndrome (GCPS). Also called: Greig syndrome; GLI3-Related Greig Cephalopolysyndactyly Syndrome; POLYSYNDACTYLY WITH PECULIAR SKULL SHAPE. Identifiers: Orphanet 380, MedGen C0265306, MONDO:0008287, OMIM 175700.
Polydactyly, postaxial, type A1. Identifiers: MedGen C4282400, MONDO:0008266, OMIM 174200.
Polysyndactyly 4. Also called: Polysyndactyly uncomplicated; Preaxial polydactyly 4. Identifiers: Orphanet 93338, MedGen C1868111, MONDO:0008272, OMIM 174700.

Submissions (2):

Fulgent Genetics
Classification: Uncertain significance for Pallister-Hall syndrome; Polydactyly, postaxial, type A1; Polysyndactyly 4; Greig cephalopolysyndactyly syndrome. Last evaluated: 2024-03-07. Review status: criteria provided, single submitter. Criteria: ACMG Guidelines, 2015. Collection method: clinical testing. Allele origin: germline.

Labcorp Genetics (formerly Invitae), Labcorp
Classification: Uncertain significance for Pallister-Hall syndrome; Greig cephalopolysyndactyly syndrome. Last evaluated: 2022-07-14. Review status: criteria provided, single submitter. Criteria: Invitae Variant Classification Sherloc (09022015). Collection method: clinical testing. Allele origin: germline.
Comment: This variant, c.3523_3525del, results in the deletion of 1 amino acid(s) of the GLI3 protein (p.Ser1175del), but otherwise preserves the integrity of the reading frame. This variant is present in population databases (no rsID available, gnomAD 0.009%). This variant has not been reported in the literature in individuals affected with GLI3-related conditions. Experimental studies and prediction algorithms are not available or were not evaluated, and the functional significance of this variant is currently unknown. In summary, the available evidence is currently insufficient to determine the role of this variant in disease. Therefore, it has been classified as a Variant of Uncertain Significance.

NM_000168.6(GLI3):c.3517TCC[2] (p.Ser1175del)

Gene: GLI3 (GLI family zinc finger 3; minus strand). Cytogenetic location: 7p14.1.
Variant type: Microsatellite.
Coding change: c.3517TCC[2] on transcript NM_000168.6 (MANE Select); two copies in a row of the 3-base unit TCC starting at c.3517; the reference has three copies in a row; one copy, 3 bases deleted; also written c.3523_3525del.
Protein change: p.Ser1175del; deletes serine 1175.
Molecular consequence: inframe deletion.
Genome position (GRCh38, 1-based): chr7:41,965,548-41,965,550, GGA deleted on the plus strand (TCC on the coding strand, the reverse complement: GLI3 is on the minus strand); deleting any 3 consecutive bases within chr7:41,965,548-41,965,556 gives the same sequence; the position shown is the placement nearest the transcript's 3' end. VCF-style (leftmost placement, unchanged base first): chr7-41965547-TGGA-T. GRCh37 (hg19) VCF-style: chr7-42005145-TGGA-T.
Other names: c.3523_3525del (NM_000168.6); short protein forms S1175del.
Identifiers: ClinVar variation 2162535 (VCV002162535.5), dbSNP rs1176188528, ClinGen allele CA573855669.
Genomic context (GRCh38, chr7:41,965,547, plus strand): 5'-CGTTGCAGAACCCAAAGGCGCGAGTCTGCGGCACAGCGGGCCGCGGCCCACACTTGAGCT[TGGA>T]GGAGGACAGGTCGGCGCTTCCGGAGCTGACTTCGTTCCACTGAATGGGCAGGTCGGTTTT-3'